The following is an entry in ClinVar:

ClinVar aggregate classification (germline): Uncertain significance (1 of 4 stars; one submission).

gnomAD v4.1: 6 of 1,613,656 alleles (0.00037%); highest among the groups gnomAD compares: South Asian, 0.0011%; no homozygotes.

Submission:

GeneDx
Classification: Uncertain significance. Last evaluated: 2023-01-05. Review status: criteria provided, single submitter. Criteria: GeneDx Variant Classification Process June 2021. Collection method: clinical testing. Allele origin: germline. Affected: yes.
Comment: Not observed at significant frequency in large population cohorts (gnomAD); In silico analysis supports a deleterious effect on splicing; Has not been previously published as pathogenic or benign to our knowledge

NM_002693.3(POLG):c.2145A>G (p.Gln715=)

Gene: POLG (DNA polymerase gamma, catalytic subunit; minus strand). Cytogenetic location: 15q26.1.
Variant type: single nucleotide variant.
Coding change: c.2145A>G on transcript NM_002693.3 (MANE Select); coding-DNA position 2145, A replaced by G.
Protein change: p.Gln715=; no amino-acid change (glutamine 715 retained).
Molecular consequence: synonymous variant.
Genome position (GRCh38, 1-based): chr15:89,323,827, T>C on the plus strand (A>G on the coding strand, the complement: POLG is on the minus strand). VCF-style: chr15-89323827-T-C. GRCh37 (hg19) VCF-style: chr15-89867058-T-C.
Other names: c.2145A>G, p.Gln715= (NM_001126131.2).
Identifiers: ClinVar variation 2571859 (VCV002571859.1), dbSNP rs796052882, ClinGen allele CA492289330.